The following is an entry in ClinVar:

ClinVar aggregate classification (germline): Uncertain significance. Review status: criteria provided, multiple submitters, no conflicts (2 of 4 stars). 2 submissions from 2 submitters: Uncertain significance (2). Last evaluated 2024-06-10.

Conditions:
Fanconi anemia complementation group P. Also called: SLX4-Related Fanconi Anemia. Identifiers: Orphanet 84, MedGen C3469542, MONDO:0013499, OMIM 613951.
Fanconi anemia (FA). Also called: Fanconi's anemia. Identifiers: Orphanet 84, MedGen C0015625, MeSH D005199, MONDO:0019391.

Allele frequency attached by ClinVar (database versions not stated): gnomAD 0.00001; TOPMed 0.00002.

Submissions (2):

Fulgent Genetics
Classification: Uncertain significance for Fanconi anemia complementation group P. Last evaluated: 2024-06-10. Review status: criteria provided, single submitter. Criteria: ACMG Guidelines, 2015. Collection method: clinical testing. Allele origin: germline.

Labcorp Genetics (formerly Invitae), Labcorp
Classification: Uncertain significance for Fanconi anemia. Last evaluated: 2023-09-15. Review status: criteria provided, single submitter. Criteria: Invitae Variant Classification Sherloc (09022015). Collection method: clinical testing. Allele origin: germline.
Comment: In summary, the available evidence is currently insufficient to determine the role of this variant in disease. Therefore, it has been classified as a Variant of Uncertain Significance. An algorithm developed to predict the effect of missense changes on protein structure and function (PolyPhen-2) suggests that this variant is likely to be tolerated. This variant has not been reported in the literature in individuals affected with SLX4-related conditions. This variant is present in population databases (no rsID available, gnomAD 0.007%). This sequence change replaces methionine, which is neutral and non-polar, with isoleucine, which is neutral and non-polar, at codon 1458 of the SLX4 protein (p.Met1458Ile).

NM_032444.4(SLX4):c.4374G>C (p.Met1458Ile)

Gene: SLX4 (SLX4 structure-specific endonuclease subunit; minus strand). Cytogenetic location: 16p13.3.
Variant type: single nucleotide variant.
Coding change: c.4374G>C on transcript NM_032444.4 (MANE Select); coding-DNA position 4374, G replaced by C.
Protein change: p.Met1458Ile; replaces methionine 1458 with isoleucine.
Molecular consequence: missense variant.
Genome position (GRCh38, 1-based): chr16:3,589,264, C>G on the plus strand (G>C on the coding strand, the complement: SLX4 is on the minus strand). VCF-style: chr16-3589264-C-G. GRCh37 (hg19) VCF-style: chr16-3639265-C-G.
Other names: short protein forms M1458I.
Identifiers: ClinVar variation 2917776 (VCV002917776.4), dbSNP rs1168844302, ClinGen allele CA394517266.